The following is an entry in ClinVar:

ClinVar aggregate classification (germline): Conflicting classifications of pathogenicity. Review status: criteria provided, conflicting classifications (1 of 4 stars). 2 submissions from 2 submitters: Uncertain significance (1); Likely benign (1). Last evaluated 2026-01-19.

Conditions:
Inborn genetic diseases. Identifiers: MedGen C0950123, MeSH D030342.
Mucolipidosis type IV (ML4). Also called: ML IV. Identifiers: Orphanet 578, MedGen C0238286, MONDO:0009653, OMIM 252650.

Allele frequency attached by ClinVar (database versions not stated): gnomAD exomes 0.00001; gnomAD 0.00002; TOPMed 0.00002; ExAC 0.00004.
gnomAD v4.1: 22 of 1,614,020 alleles (0.0014%); highest among the groups gnomAD compares: African/African-American, 0.004%; no homozygotes.

Submissions (2):

Labcorp Genetics (formerly Invitae), Labcorp
Classification: Likely benign for Mucolipidosis type IV. Last evaluated: 2026-01-19. Review status: criteria provided, single submitter. Criteria: Invitae Variant Classification Sherloc (09022015). Collection method: clinical testing. Allele origin: germline.

Ambry Genetics
Classification: Uncertain significance for Inborn genetic diseases. Last evaluated: 2023-06-17. Review status: criteria provided, single submitter. Criteria: Ambry Variant Classification Scheme 2023. Collection method: clinical testing. Allele origin: germline.
Comment: The p.V359I variant (also known as c.1075G>A), located in coding exon 9 of the MCOLN1 gene, results from a G to A substitution at nucleotide position 1075. The valine at codon 359 is replaced by isoleucine, an amino acid with highly similar properties. This amino acid position is conserved. In addition, this alteration is predicted to be tolerated by in silico analysis. Since supporting evidence is limited at this time, the clinical significance of this alteration remains unclear.

NM_020533.3(MCOLN1):c.1075G>A (p.Val359Ile)

Gene: MCOLN1 (mucolipin TRP cation channel 1; plus strand). Cytogenetic location: 19p13.2.
Variant type: single nucleotide variant.
Coding change: c.1075G>A on transcript NM_020533.3 (MANE Select); coding-DNA position 1075, G replaced by A.
Protein change: p.Val359Ile; replaces valine 359 with isoleucine.
Molecular consequence: missense variant.
Genome position (GRCh38, 1-based): chr19:7,528,911, G>A. VCF-style: chr19-7528911-G-A. GRCh37 (hg19) VCF-style: chr19-7593797-G-A.
Other names: c.1075G>A (NM_020533.2); short protein forms V359I.
Identifiers: ClinVar variation 2415687 (VCV002415687.8), dbSNP rs779025750, ClinGen allele CA9139022.